The following is an entry in ClinVar:

ClinVar aggregate classification (germline): Pathogenic (1 of 4 stars; one submission).

Conditions:
Nager syndrome (AFD1). Also called: MANDIBULOFACIAL DYSOSTOSIS, TREACHER COLLINS TYPE, WITH LIMB ANOMALIES; Nager acrofacial dysostosis; Nager acrofacial dysostosis syndrome; Acrofacial Dysostosis 1, Nager Type. Identifiers: Orphanet 245, MedGen C0265245, MONDO:0007943, OMIM 154400.

Submission:

Juno Genomics, Hangzhou Juno Genomics, Inc
Classification: Pathogenic for Nager syndrome. Review status: criteria provided, single submitter. Criteria: ACMG Guidelines, 2015. Collection method: clinical testing. Allele origin: germline. Affected: yes.
Comment: Absent from controls (or at extremely low frequency if recessive) in Genome Aggregation Database.;De novo (both maternity and paternity confirmed) in a patient with the disease and no family history.;Null variant in a gene where loss of function (LOF) is a known mechanism of disease.

NM_005850.5(SF3B4):c.116_132del (p.Val39fs)

Gene: SF3B4 (splicing factor 3b subunit 4; minus strand). Cytogenetic location: 1q21.2.
Variant type: Deletion.
Coding change: c.116_132del on transcript NM_005850.5 (MANE Select); coding-DNA positions 116 to 132, 17 bases deleted (TAGTCAACACCCACATG).
Protein change: p.Val39fs; shifts the reading frame from valine 39.
Molecular consequence: frameshift variant.
Genome position (GRCh38, 1-based): chr1:149,927,197-149,927,213, CATGTGGGTGTTGACTA deleted on the plus strand (TAGTCAACACCCACATG on the coding strand, the reverse complement: SF3B4 is on the minus strand); deleting any 17 consecutive bases within chr1:149,927,197-149,927,214 gives the same sequence; the c. name uses the placement nearest the transcript's 3' end. VCF-style (leftmost placement, unchanged base first): chr1-149927196-GCATGTGGGTGTTGACTA-G. GRCh37 (hg19) VCF-style: chr1-149899088-GCATGTGGGTGTTGACTA-G.
Other names: short protein forms V39fs.
Identifiers: ClinVar variation 5018541 (VCV005018541.1).